The following is an entry in ClinVar:

ClinVar aggregate classification (germline): Benign. Review status: criteria provided, multiple submitters, no conflicts (2 of 4 stars). 5 submissions from 5 submitters: Benign (5). Last evaluated 2026-02-04.

Conditions:
Developmental and epileptic encephalopathy, 51 (DEE51). Also called: Epileptic encephalopathy, early infantile, 51. Identifiers: MedGen C4479208, MONDO:0015025, OMIM 617339.

Allele frequency attached by ClinVar (database versions not stated): gnomAD exomes 0.33243 and 0.40066; ESP Exome Variant Server 0.39149; gnomAD 0.42987 and 0.43081; TOPMed 0.43846; ExAC 0.44545; 1000 Genomes Project 30x 0.52077; 1000 Genomes Project 0.52216.
gnomAD v4.1: 527,076 of 1,536,850 alleles (34%); highest among the groups gnomAD compares: African/African-American, 64%; 98,394 homozygotes.

Submissions (5):

Labcorp Genetics (formerly Invitae), Labcorp
Classification: Benign. Last evaluated: 2026-02-04. Review status: criteria provided, single submitter. Criteria: Invitae Variant Classification Sherloc (09022015). Collection method: clinical testing. Allele origin: germline.

ARUP Laboratories, Molecular Genetics and Genomics, ARUP Laboratories
Classification: Benign for Developmental and epileptic encephalopathy, 51. Last evaluated: 2025-07-17. Review status: criteria provided, single submitter. Criteria: ARUP Molecular Germline Variant Investigation Process 2024. Collection method: clinical testing. Allele origin: germline.

Blueprint Genetics
Classification: Benign. Last evaluated: 2024-11-27. Review status: criteria provided, single submitter. Criteria: ACMG Guidelines, 2015. Collection method: clinical testing. Allele origin: germline.

GeneDx
Classification: Benign. Last evaluated: 2018-04-12. Review status: criteria provided, single submitter. Criteria: GeneDx Variant Classification (06012015). Collection method: clinical testing. Allele origin: germline. Affected: yes.
Comment: This variant is considered likely benign or benign based on one or more of the following criteria: it is a conservative change, it occurs at a poorly conserved position in the protein, it is predicted to be benign by multiple in silico algorithms, and/or has population frequency not consistent with disease.

Breakthrough Genomics
Classification: Benign. Review status: criteria provided, single submitter. Criteria: ACMG Guidelines, 2015. Collection method: not provided. Allele origin: germline. Inheritance: Autosomal recessive inheritance. Affected: yes.

NM_005918.4(MDH2):c.26C>T (p.Ala9Val)

Gene: MDH2 (malate dehydrogenase 2; plus strand). Cytogenetic location: 7q11.23.
Variant type: single nucleotide variant.
Coding change: c.26C>T on transcript NM_005918.4 (MANE Select); coding-DNA position 26, C replaced by T.
Protein change: p.Ala9Val; replaces alanine 9 with valine.
Molecular consequence: missense variant. On other transcripts: 5 prime UTR variant (1), non-coding transcript variant (1).
Genome position (GRCh38, 1-based): chr7:76,048,186, C>T. VCF-style: chr7-76048186-C-T. GRCh37 (hg19) VCF-style: chr7-75677504-C-T.
Other names: c.26C>T, p.Ala9Val (NM_001282403.2); c.-127C>T (NM_001282404.2); short protein forms A9V.
Identifiers: ClinVar variation 667830 (VCV000667830.14), dbSNP rs6720, ClinGen allele CA4305385.